The following is an entry in ClinVar:

NM_012472.6(DNAAF11):c.389A>G (p.His130Arg)

Gene: DNAAF11 (dynein axonemal assembly factor 11; minus strand). Cytogenetic location: 8q24.22.
Variant type: single nucleotide variant.
Coding change: c.389A>G on transcript NM_012472.6 (MANE Select); coding-DNA position 389, A replaced by G.
Protein change: p.His130Arg; replaces histidine 130 with arginine.
Molecular consequence: missense variant. On other transcripts: non-coding transcript variant (10).
Genome position (GRCh38, 1-based): chr8:132,637,975, T>C on the plus strand (A>G on the coding strand, the complement: DNAAF11 is on the minus strand). VCF-style: chr8-132637975-T-C. GRCh37 (hg19) VCF-style: chr8-133650221-T-C.
Other names: c.389A>G, p.His130Arg (NM_001321961.2); c.143A>G, p.His48Arg (NM_001321962.2); c.29A>G, p.His10Arg (NM_001321963.2, NM_001321964.2, NM_001321965.2 and 1 more transcripts); c.389A>G (NM_012472.3); short protein forms H10R, H130R, H48R.
Identifiers: ClinVar variation 858010 (VCV000858010.3), dbSNP rs777011841, ClinGen allele CA4881394.
Genomic context (GRCh38, chr8:132,637,975, plus strand): 5'-CACCATTAAAAGAACCATACCTTTAATTGTGGAAGAGTTGCTACCACGAACTCCCTATAG[T>C]GGTCAAAGGAAGCACATGGGTTCCCCATGAGAAAGAGCTCCTTCAGATGGATATTGTGCT-3'
Protein context (NP_036604.2, residues 120-140): LMGNPCASFD[His130Arg]YREFVVATLP

ClinVar aggregate classification (germline): Uncertain significance. Review status: criteria provided, multiple submitters, no conflicts (2 of 4 stars). 2 submissions from 2 submitters: Uncertain significance (2). Last evaluated 2026-03-09.

Conditions:
Primary ciliary dyskinesia 19. Also called: CILIARY DYSKINESIA, PRIMARY, 19, WITH OR WITHOUT SITUS INVERSUS. Identifiers: Orphanet 244, MedGen C3543826, MONDO:0013979, OMIM 614935.
Primary ciliary dyskinesia. Also called: Ciliary dyskinesia. Identifiers: Orphanet 244, MedGen C0008780, MONDO:0016575, HP:0012265.

Allele frequency attached by ClinVar (database versions not stated): ExAC 0.00001; gnomAD exomes 0.00001.
gnomAD v4.1: 18 of 1,614,018 alleles (0.0011%); highest among the groups gnomAD compares: Middle Eastern, 0.082%; no homozygotes.

Submissions (2):

Ambry Genetics
Classification: Uncertain significance for Primary ciliary dyskinesia. Last evaluated: 2026-03-09. Review status: criteria provided, single submitter. Criteria: Ambry Variant Classification Scheme 2023. Collection method: clinical testing. Allele origin: germline.
Comment: The p.H130R variant (also known as c.389A>G), located in coding exon 4 of the LRRC6 gene, results from an A to G substitution at nucleotide position 389. The histidine at codon 130 is replaced by arginine, an amino acid with highly similar properties. This amino acid position is conserved. In addition, this alteration is predicted to be tolerated by in silico analysis. Based on the available evidence, the clinical significance of this variant remains unclear.

Labcorp Genetics (formerly Invitae), Labcorp
Classification: Uncertain significance for Ciliary dyskinesia, primary, 19. Last evaluated: 2019-02-25. Review status: criteria provided, single submitter. Criteria: Invitae Variant Classification Sherloc (09022015). Collection method: clinical testing. Allele origin: germline.
Comment: This sequence change replaces histidine with arginine at codon 130 of the LRRC6 protein (p.His130Arg). The histidine residue is weakly conserved and there is a small physicochemical difference between histidine and arginine. This variant is present in population databases (rs777011841, ExAC 0.002%). This variant has not been reported in the literature in individuals with LRRC6-related disease. Algorithms developed to predict the effect of missense changes on protein structure and function (SIFT, PolyPhen-2, Align-GVGD) all suggest that this variant is likely to be tolerated, but these predictions have not been confirmed by published functional studies and their clinical significance is uncertain. In summary, the available evidence is currently insufficient to determine the role of this variant in disease. Therefore, it has been classified as a Variant of Uncertain Significance.